The following is an entry in ClinVar:

NM_001384732.1(CPLANE1):c.3551G>A (p.Arg1184His)

Gene: CPLANE1 (ciliogenesis and planar polarity effector complex subunit 1; minus strand). Cytogenetic location: 5p13.2.
Variant type: single nucleotide variant.
Coding change: c.3551G>A on transcript NM_001384732.1 (MANE Select); coding-DNA position 3551, G replaced by A.
Protein change: p.Arg1184His; replaces arginine 1184 with histidine.
Molecular consequence: missense variant.
Genome position (GRCh38, 1-based): chr5:37,198,823, C>T on the plus strand (G>A on the coding strand, the complement: CPLANE1 is on the minus strand). VCF-style: chr5-37198823-C-T. GRCh37 (hg19) VCF-style: chr5-37198925-C-T.
Other names: c.3551G>A, p.Arg1184His (NM_023073.4); short protein forms R1184H.
Identifiers: ClinVar variation 2734718 (VCV002734718.4), dbSNP rs548645125, ClinGen allele CA359511733.

ClinVar aggregate classification (germline): Conflicting classifications of pathogenicity. Review status: criteria provided, conflicting classifications (1 of 4 stars). 2 submissions from 2 submitters: Pathogenic (1); Uncertain significance (1). Last evaluated 2023-02-16.

Submissions (2):

Labcorp Genetics (formerly Invitae), Labcorp
Classification: Pathogenic. Last evaluated: 2023-02-16. Review status: criteria provided, single submitter. Criteria: Invitae Variant Classification Sherloc (09022015). Collection method: clinical testing. Allele origin: germline.
Comment: For these reasons, this variant has been classified as Pathogenic. This variant disrupts the p.Arg1184 amino acid residue in CPLANE1. Other variant(s) that disrupt this residue have been determined to be pathogenic (PMID: 24178751, 29605658). This suggests that this residue is clinically significant, and that variants that disrupt this residue are likely to be disease-causing. Advanced modeling of protein sequence and biophysical properties (such as structural, functional, and spatial information, amino acid conservation, physicochemical variation, residue mobility, and thermodynamic stability) performed at Invitae indicates that this missense variant is expected to disrupt CPLANE1 protein function. This missense change has been observed in individuals with Joubert syndrome and related disorders (PMID: 25407461, 29605658). This variant is present in population databases (no rsID available, gnomAD 0.0009%). This sequence change replaces arginine, which is basic and polar, with histidine, which is basic and polar, at codon 1184 of the CPLANE1 protein (p.Arg1184His).

Blueprint Genetics
Classification: Uncertain significance. Last evaluated: 2022-01-11. Review status: criteria provided, single submitter. Criteria: ACMG Guidelines, 2015. Collection method: clinical testing. Allele origin: germline.

Literature cited by the submitters: PubMed 24178751 (cited by Labcorp Genetics (formerly Invitae), Labcorp); PubMed 29605658 (cited by Labcorp Genetics (formerly Invitae), Labcorp); PubMed 25407461 (cited by Labcorp Genetics (formerly Invitae), Labcorp).